The following is an entry in ClinVar:

NM_001370100.5(ZMYND11):c.1545A>C (p.Lys515Asn)

Genes: ZMYND11 (zinc finger MYND-type containing 11; plus strand), LOC126860802 (BRD4-independent group 4 enhancer GRCh37_chr10:294268-295467; plus strand). Cytogenetic location: 10p15.3.
Variant type: single nucleotide variant.
Coding change: c.1545A>C on transcript NM_001370100.5 (MANE Select); coding-DNA position 1545, A replaced by C.
Protein change: p.Lys515Asn; replaces lysine 515 with asparagine.
Molecular consequence: missense variant. On other transcripts: non-coding transcript variant (1).
Genome position (GRCh38, 1-based): chr10:248,947, A>C. VCF-style: chr10-248947-A-C. GRCh37 (hg19) VCF-style: chr10-294887-A-C.
Other names: c.1383A>C, p.Lys461Asn (NM_001202464.3, NM_001202467.1, NM_001370103.2 and 6 more transcripts); c.1290A>C, p.Lys430Asn (NM_001202465.3, NM_001370110.2); c.1380A>C, p.Lys460Asn (NM_001202466.3, NM_001370111.2); c.1545A>C, p.Lys515Asn (NM_001202468.1, NM_001370097.3, NM_001370098.2 and 4 more transcripts); c.1494A>C, p.Lys498Asn (NM_001330057.3, NM_001370112.2); c.1452A>C, p.Lys484Asn (NM_001370113.2, NM_001370114.2); c.1542A>C, p.Lys514Asn (NM_001370115.2, NM_212479.4); c.1479A>C, p.Lys493Asn (NM_001370116.2); and 8 more; short protein forms K396N, K421N, K439N, K460N, K515N, K358N, K430N, K461N.
Identifiers: ClinVar variation 4742661 (VCV004742661.1).

ClinVar aggregate classification (germline): Uncertain significance (1 of 4 stars; one submission).

gnomAD v4.1: 3 of 1,614,032 alleles (0.00019%); highest among the groups gnomAD compares: African/African-American, 0.0027%; no homozygotes.

Submission:

Labcorp Genetics (formerly Invitae), Labcorp
Classification: Uncertain significance. Last evaluated: 2025-09-10. Review status: criteria provided, single submitter. Criteria: Invitae Variant Classification Sherloc (09022015). Collection method: clinical testing. Allele origin: germline.
Comment: This sequence change replaces lysine, which is basic and polar, with asparagine, which is neutral and polar, at codon 515 of the ZMYND11 protein (p.Lys515Asn). This variant is present in population databases (rs777109374, gnomAD 0.008%). This variant has not been reported in the literature in individuals affected with ZMYND11-related conditions. Invitae Evidence Modeling of protein sequence and biophysical properties (such as structural, functional, and spatial information, amino acid conservation, physicochemical variation, residue mobility, and thermodynamic stability) indicates that this missense variant is not expected to disrupt ZMYND11 protein function with a negative predictive value of 80%. In summary, the available evidence is currently insufficient to determine the role of this variant in disease. Therefore, it has been classified as a Variant of Uncertain Significance.